The following is an entry in ClinVar:

ClinVar aggregate classification (germline): Uncertain significance (1 of 4 stars; one submission).

Conditions:
CHD4-related disorder. Also called: CHD4-related condition.

Submission:

PreventionGenetics, part of Exact Sciences
Classification: Uncertain significance for CHD4-related condition. Last evaluated: 2025-09-27. Review status: criteria provided, single submitter. Criteria: ACMG Guidelines, 2015. Collection method: clinical testing. Allele origin: germline.
Comment: The CHD4 c.99A>G variant is not predicted to result in an amino acid change (p.=). This variant is predicted to alter splicing based on available splicing prediction programs (SpliceAI, Jaganathan et al. 2019. PubMed ID: 30661751). However, the use of computer prediction programs is not equivalent to functional evidence. To our knowledge, this variant has not been reported in the literature or in a large population database (gnomAD), indicating this variant is rare. At this time, the clinical significance of this variant is uncertain due to the absence of conclusive functional and genetic evidence.

NM_001273.5(CHD4):c.99A>G (p.Pro33=)

Gene: CHD4 (chromodomain helicase DNA binding protein 4; minus strand). Cytogenetic location: 12p13.31.
Variant type: single nucleotide variant.
Coding change: c.99A>G on transcript NM_001273.5 (MANE Select); coding-DNA position 99, A replaced by G.
Protein change: p.Pro33=; no amino-acid change (proline 33 retained).
Molecular consequence: synonymous variant.
Genome position (GRCh38, 1-based): chr12:6,606,275, T>C on the plus strand (A>G on the coding strand, the complement: CHD4 is on the minus strand). VCF-style: chr12-6606275-T-C. GRCh37 (hg19) VCF-style: chr12-6715441-T-C.
Other names: c.99A>G, p.Pro33= (NM_001297553.2, NM_001363606.2).
Identifiers: ClinVar variation 4995841 (VCV004995841.1).